The following is an entry in ClinVar:

NM_004859.4(CLTC):c.4485_4488del (p.Ala1496fs)

Genes: CLTC (clathrin heavy chain; plus strand), LOC125177523 (Sharpr-MPRA regulatory region 12460; plus strand). Cytogenetic location: 17q23.1.
Variant type: Deletion.
Coding change: c.4485_4488del on transcript NM_004859.4 (MANE Select); coding-DNA positions 4485 to 4488, 4 bases deleted (TGCT; older notation c.4485_4488delTGCT).
Protein change: p.Ala1496fs; shifts the reading frame from alanine 1496.
Molecular consequence: frameshift variant.
Genome position (GRCh38, 1-based): chr17:59,685,106-59,685,109, TGCT deleted; deleting any 4 consecutive bases within chr17:59,685,103-59,685,109 gives the same sequence; the c. name uses the placement nearest the transcript's 3' end. VCF-style (leftmost placement, unchanged base first): chr17-59685102-CGCTT-C. GRCh37 (hg19) VCF-style: chr17-57762463-CGCTT-C.
Other names: c.4497_4500del, p.Ala1500fs (NM_001288653.2); short protein forms A1496fs, A1500fs.
Identifiers: ClinVar variation 2603685 (VCV002603685.2), dbSNP rs2509157685, ClinGen allele CA2582342197.

ClinVar aggregate classification (germline): Pathogenic (1 of 4 stars; one submission).

Conditions:
Inborn genetic diseases. Identifiers: MedGen C0950123, MeSH D030342.

Submission:

Ambry Genetics
Classification: Pathogenic for Inborn genetic diseases. Last evaluated: 2023-06-21. Review status: criteria provided, single submitter. Criteria: Ambry Variant Classification Scheme 2023. Collection method: clinical testing. Allele origin: germline.
Comment: The c.4485_4488delTGCT (p.A1496Sfs*29) alteration, located in exon 29 (coding exon 29) of the CLTC gene, consists of a deletion of 4 nucleotides from position 4485 to 4488, causing a translational frameshift with a predicted alternate stop codon after 29 amino acids. This alteration is expected to result in loss of function by premature protein truncation or nonsense-mediated mRNA decay. This variant was not reported in population-based cohorts in the Genome Aggregation Database (gnomAD). Based on the available evidence, this alteration is classified as pathogenic.